The following is an entry in ClinVar:

ClinVar aggregate classification (germline): Uncertain significance (1 of 4 stars; one submission).

Conditions:
COG7 congenital disorder of glycosylation (CDG2E). Also called: CONGENITAL DISORDER OF GLYCOSYLATION, TYPE IIe; CDG IIe. Identifiers: Orphanet 79333, MedGen C2931010, MONDO:0012118, OMIM 608779.

Allele frequency attached by ClinVar (database versions not stated): gnomAD below 0.00001 and 0.00002; gnomAD exomes 0.00001 and 0.00003; ExAC 0.00004; 1000 Genomes Project 0.00020; 1000 Genomes Project 30x 0.00031.
gnomAD v4.1: 19 of 1,610,148 alleles (0.0012%); highest among the groups gnomAD compares: South Asian, 0.013%; no homozygotes.

Submission:

Labcorp Genetics (formerly Invitae), Labcorp
Classification: Uncertain significance for COG7 congenital disorder of glycosylation. Last evaluated: 2022-07-11. Review status: criteria provided, single submitter. Criteria: Invitae Variant Classification Sherloc (09022015). Collection method: clinical testing. Allele origin: germline.
Comment: This sequence change replaces valine, which is neutral and non-polar, with methionine, which is neutral and non-polar, at codon 107 of the COG7 protein (p.Val107Met). This variant is present in population databases (rs550355383, gnomAD 0.02%). In summary, the available evidence is currently insufficient to determine the role of this variant in disease. Therefore, it has been classified as a Variant of Uncertain Significance. Algorithms developed to predict the effect of missense changes on protein structure and function are either unavailable or do not agree on the potential impact of this missense change (SIFT: "Deleterious"; PolyPhen-2: "Benign"; Align-GVGD: "Class C0"). ClinVar contains an entry for this variant (Variation ID: 1025901). This variant has not been reported in the literature in individuals affected with COG7-related conditions.

NM_153603.4(COG7):c.319G>A (p.Val107Met)

Gene: COG7 (component of oligomeric golgi complex 7; minus strand). Cytogenetic location: 16p12.2.
Variant type: single nucleotide variant.
Coding change: c.319G>A on transcript NM_153603.4 (MANE Select); coding-DNA position 319, G replaced by A.
Protein change: p.Val107Met; replaces valine 107 with methionine.
Molecular consequence: missense variant.
Genome position (GRCh38, 1-based): chr16:23,445,164, C>T on the plus strand (G>A on the coding strand, the complement: COG7 is on the minus strand). VCF-style: chr16-23445164-C-T. GRCh37 (hg19) VCF-style: chr16-23456485-C-T.
Other names: short protein forms V107M.
Identifiers: ClinVar variation 1025901 (VCV001025901.9), dbSNP rs550355383, ClinGen allele CA7961333.